The following is an entry in ClinVar:

NM_024589.3(ROGDI):c.712C>T (p.Arg238Cys)

Gene: ROGDI (rogdi atypical leucine zipper; minus strand). Cytogenetic location: 16p13.3.
Variant type: single nucleotide variant.
Coding change: c.712C>T on transcript NM_024589.3 (MANE Select); coding-DNA position 712, C replaced by T.
Protein change: p.Arg238Cys; replaces arginine 238 with cysteine.
Molecular consequence: missense variant. On other transcripts: non-coding transcript variant (1).
Genome position (GRCh38, 1-based): chr16:4,797,824, G>A on the plus strand (C>T on the coding strand, the complement: ROGDI is on the minus strand). VCF-style: chr16-4797824-G-A. GRCh37 (hg19) VCF-style: chr16-4847825-G-A.
Other names: short protein forms R238C.
Identifiers: ClinVar variation 944698 (VCV000944698.8), dbSNP rs760809797, ClinGen allele CA7882511.
Genomic context (GRCh38, chr16:4,797,824, plus strand): 5'-GGGCGTCGTTGAGCCAGGGGATCACGCACTCCACTTTGTGCACGTGGCTCACCTCCAGGC[G>A]CTGAGAGCCCCACTCGCTGTGGGCAGTGAGAGGGTCCCTGAGGAGGGTCCCGGCCCTCCA-3'
Protein context (NP_078865.1, residues 228-248): PGAMFEWGSQ[Arg238Cys]LEVSHVHKVE

ClinVar aggregate classification (germline): Uncertain significance (1 of 4 stars; one submission).

Conditions:
Amelocerebrohypohidrotic syndrome (KTZS). Also called: Kohlschutter's syndrome; EPILEPSY AND YELLOW TEETH; EPILEPSY, DEMENTIA, AND AMELOGENESIS IMPERFECTA; KOHLSCHUTTER SYNDROME. Identifiers: Orphanet 1946, MedGen C0406740, MONDO:0009185, OMIM 226750.

Allele frequency attached by ClinVar (database versions not stated): gnomAD exomes below 0.00001 and 0.00001; TOPMed below 0.00001; ExAC 0.00001; gnomAD 0.00001.
gnomAD v4.1: 11 of 1,611,790 alleles (0.00068%); highest among the groups gnomAD compares: African/African-American, 0.0013%; no homozygotes.

Submission:

Labcorp Genetics (formerly Invitae), Labcorp
Classification: Uncertain significance for Amelocerebrohypohidrotic syndrome. Last evaluated: 2022-07-26. Review status: criteria provided, single submitter. Criteria: Invitae Variant Classification Sherloc (09022015). Collection method: clinical testing. Allele origin: germline.
Comment: ClinVar contains an entry for this variant (Variation ID: 944698). In summary, the available evidence is currently insufficient to determine the role of this variant in disease. Therefore, it has been classified as a Variant of Uncertain Significance. Algorithms developed to predict the effect of missense changes on protein structure and function are either unavailable or do not agree on the potential impact of this missense change (SIFT: "Deleterious"; PolyPhen-2: "Probably Damaging"; Align-GVGD: "Class C0"). This variant has not been reported in the literature in individuals affected with ROGDI-related conditions. This variant is present in population databases (rs760809797, gnomAD 0.0009%). This sequence change replaces arginine, which is basic and polar, with cysteine, which is neutral and slightly polar, at codon 238 of the ROGDI protein (p.Arg238Cys).